The following is an entry in ClinVar:

ClinVar aggregate classification (germline): Uncertain significance (1 of 4 stars; one submission).

Allele frequency attached by ClinVar (database versions not stated): gnomAD 0.00001; gnomAD exomes 0.00001; ExAC 0.00002.
gnomAD v4.1: 6 of 1,614,002 alleles (0.00037%); highest among the groups gnomAD compares: Admixed American, 0.01%; no homozygotes.

Submission:

Labcorp Genetics (formerly Invitae), Labcorp
Classification: Uncertain significance. Last evaluated: 2023-10-23. Review status: criteria provided, single submitter. Criteria: Invitae Variant Classification Sherloc (09022015). Collection method: clinical testing. Allele origin: germline.
Comment: This sequence change replaces threonine, which is neutral and polar, with alanine, which is neutral and non-polar, at codon 1114 of the DIAPH3 protein (p.Thr1114Ala). This variant is present in population databases (rs780627528, gnomAD 0.02%). This variant has not been reported in the literature in individuals affected with DIAPH3-related conditions. An algorithm developed to predict the effect of missense changes on protein structure and function (PolyPhen-2) suggests that this variant is likely to be tolerated. In summary, the available evidence is currently insufficient to determine the role of this variant in disease. Therefore, it has been classified as a Variant of Uncertain Significance.

NM_001042517.2(DIAPH3):c.3340A>G (p.Thr1114Ala)

Gene: DIAPH3 (diaphanous related formin 3; minus strand). Cytogenetic location: 13q21.2.
Variant type: single nucleotide variant.
Coding change: c.3340A>G on transcript NM_001042517.2 (MANE Select); coding-DNA position 3340, A replaced by G.
Protein change: p.Thr1114Ala; replaces threonine 1114 with alanine.
Molecular consequence: missense variant.
Genome position (GRCh38, 1-based): chr13:59,666,826, T>C on the plus strand (A>G on the coding strand, the complement: DIAPH3 is on the minus strand). VCF-style: chr13-59666826-T-C. GRCh37 (hg19) VCF-style: chr13-60240960-T-C.
Other names: c.3307A>G, p.Thr1103Ala (NM_001258366.2); c.3202A>G, p.Thr1068Ala (NM_001258367.2); c.3130A>G, p.Thr1044Ala (NM_001258368.2); short protein forms T1103A, T1114A, T1044A, T1068A.
Identifiers: ClinVar variation 2789397 (VCV002789397.3), dbSNP rs780627528, ClinGen allele CA6996054.